The following is an entry in ClinVar:

NM_002890.3(RASA1):c.1014G>C (p.Glu338Asp)

Genes: CCNH (cyclin H; minus strand), RASA1 (RAS p21 protein activator 1; plus strand). Cytogenetic location: 5q14.3.
Variant type: single nucleotide variant.
Coding change: c.1014G>C on transcript NM_002890.3 (MANE Select); coding-DNA position 1014, G replaced by C.
Protein change: p.Glu338Asp; replaces glutamic acid 338 with aspartic acid.
Molecular consequence: missense variant. On other transcripts: intron variant (1).
Genome position (GRCh38, 1-based): chr5:87,338,088, G>C. VCF-style: chr5-87338088-G-C. GRCh37 (hg19) VCF-style: chr5-86633905-G-C.
Other names: c.483G>C, p.Glu161Asp (NM_022650.3); c.934-25293C>G (NM_001364075.2); short protein forms E161D, E338D.
Identifiers: ClinVar variation 3222906 (VCV003222906.1), dbSNP rs1758103041, ClinGen allele CA360381260.

ClinVar aggregate classification (germline): Uncertain significance (1 of 4 stars; one submission).

Conditions:
Cardiovascular phenotype. Identifiers: MedGen CN230736.

gnomAD v4.1: 1 of 1,612,106 alleles (0.000062%); no homozygotes.

Submission:

Ambry Genetics
Classification: Uncertain significance for Cardiovascular phenotype. Last evaluated: 2023-09-23. Review status: criteria provided, single submitter. Criteria: Ambry Variant Classification Scheme 2023. Collection method: clinical testing. Allele origin: germline.
Comment: The p.E338D variant (also known as c.1014G>C), located in coding exon 5 of the RASA1 gene, results from a G to C substitution at nucleotide position 1014. The glutamic acid at codon 338 is replaced by aspartic acid, an amino acid with highly similar properties. This amino acid position is conserved. In addition, this alteration is predicted to be tolerated by in silico analysis. Since supporting evidence is limited at this time, the clinical significance of this alteration remains unclear.